The following is an entry in ClinVar:

ClinVar aggregate classification (germline): Uncertain significance. Review status: criteria provided, multiple submitters, no conflicts (2 of 4 stars). 2 submissions from 2 submitters: Uncertain significance (2). Last evaluated 2025-06-04.

Conditions:
Cardiomyopathy (CMYO). Also called: Cardiomyopathies. Identifiers: Orphanet 167848, MedGen C0878544, MONDO:0004994, HP:0001638. Inheritance: Various modes of inheritance.
Hypertrophic cardiomyopathy. Also called: HYPERTROPHIC MYOCARDIOPATHY. Identifiers: Orphanet 217569, MedGen C0007194, MeSH D002312, MONDO:0005045, HP:0001639.

Allele frequency attached by ClinVar (database versions not stated): TOPMed below 0.00001; gnomAD 0.00001.
gnomAD v4.1: 3 of 1,613,422 alleles (0.00019%); highest among the groups gnomAD compares: Non-Finnish European, 0.00017%; no homozygotes.

Submissions (2):

Color Diagnostics, LLC DBA Color Health
Classification: Uncertain significance for Cardiomyopathy. Last evaluated: 2025-06-04. Review status: criteria provided, single submitter. Criteria: ACMG Guidelines, 2015. Collection method: clinical testing. Allele origin: germline.
Comment: This variant causes a G to T nucleotide substitution at the +4 position of intron 3 of the MYL3 gene. To our knowledge, functional studies have not been reported for this variant. This variant has not been reported in individuals affected with MYL3-related disorders in the literature. This variant has not been identified in the general population by the Genome Aggregation Database (gnomAD). The available evidence is insufficient to determine the role of this variant in disease conclusively. Therefore, this variant is classified as a Variant of Uncertain Significance.

Labcorp Genetics (formerly Invitae), Labcorp
Classification: Uncertain significance for Hypertrophic cardiomyopathy. Last evaluated: 2024-12-24. Review status: criteria provided, single submitter. Criteria: Invitae Variant Classification Sherloc (09022015). Collection method: clinical testing. Allele origin: germline.
Comment: This sequence change falls in intron 3 of the MYL3 gene. It does not directly change the encoded amino acid sequence of the MYL3 protein. It affects a nucleotide within the consensus splice site. This variant is not present in population databases (gnomAD no frequency). This variant has not been reported in the literature in individuals affected with MYL3-related conditions. ClinVar contains an entry for this variant (Variation ID: 2773988). Variants that disrupt the consensus splice site are a relatively common cause of aberrant splicing (PMID: 17576681, 9536098). Algorithms developed to predict the effect of sequence changes on RNA splicing suggest that this variant is not likely to affect RNA splicing. In summary, the available evidence is currently insufficient to determine the role of this variant in disease. Therefore, it has been classified as a Variant of Uncertain Significance.

Literature cited by the submitters: PubMed 17576681 (cited by Labcorp Genetics (formerly Invitae), Labcorp); PubMed 9536098 (cited by Labcorp Genetics (formerly Invitae), Labcorp).

NM_000258.3(MYL3):c.307+4G>T

Gene: MYL3 (myosin light chain 3; minus strand). Cytogenetic location: 3p21.31.
Variant type: single nucleotide variant.
Coding change: c.307+4G>T on transcript NM_000258.3 (MANE Select); 4 bases into the intron after coding-DNA position 307, G replaced by T.
Molecular consequence: intron variant.
Genome position (GRCh38, 1-based): chr3:46,860,672, C>A on the plus strand (G>T on the coding strand, the complement: MYL3 is on the minus strand). VCF-style: chr3-46860672-C-A. GRCh37 (hg19) VCF-style: chr3-46902162-C-A.
Other names: c.307+4G>T (NM_001406939.1, NM_001406938.1, NM_001406937.1); c.133+4G>T (NM_001406940.1, NM_001406941.1).
Identifiers: ClinVar variation 2773988 (VCV002773988.6), dbSNP rs375395589, ClinGen allele CA907610835.